The following is an entry in ClinVar:

NM_000038.6(APC):c.2558A>G (p.Glu853Gly)

Gene: APC (APC regulator of Wnt signaling pathway; plus strand). Cytogenetic location: 5q22.2.
Variant type: single nucleotide variant.
Coding change: c.2558A>G on transcript NM_000038.6 (MANE Select); coding-DNA position 2558, A replaced by G.
Protein change: p.Glu853Gly; replaces glutamic acid 853 with glycine.
Molecular consequence: missense variant.
Genome position (GRCh38, 1-based): chr5:112,838,152, A>G. VCF-style: chr5-112838152-A-G. GRCh37 (hg19) VCF-style: chr5-112173849-A-G.
Other names: c.2558A>G, p.Glu853Gly (NM_001127510.3, NM_001354895.2); c.2504A>G, p.Glu835Gly (NM_001127511.3); c.2612A>G, p.Glu871Gly (NM_001354896.2); c.2588A>G, p.Glu863Gly (NM_001354897.2); c.2483A>G, p.Glu828Gly (NM_001354898.2); c.2474A>G, p.Glu825Gly (NM_001354899.2); c.2435A>G, p.Glu812Gly (NM_001354900.2); c.2381A>G, p.Glu794Gly (NM_001354901.2); and 5 more; short protein forms E835G, E853G, E693G, E570G, E752G, E762G, E825G, E727G.
Identifiers: ClinVar variation 559955 (VCV000559955.4), dbSNP rs1554084263, ClinGen allele CA16026938.

ClinVar aggregate classification (germline): Uncertain significance. Review status: criteria provided, single submitter (1 of 4 stars). 2 submissions from 2 submitters: Uncertain significance (1). 1 of the submissions does not count toward it. Last evaluated 2024-02-05.

Conditions:
Familial adenomatous polyposis 1 (FAP1). Also called: FAMILIAL ADENOMATOUS POLYPOSIS 1, ATTENUATED; POLYPOSIS, ADENOMATOUS INTESTINAL. Identifiers: MedGen C2713442, MONDO:0021056, OMIM 175100. Disease mechanism: loss of function.
Duodenal adenocarcinoma. Identifiers: MedGen C0278804, MONDO:0006186, HP:0006771.

Submissions (2):

Labcorp Genetics (formerly Invitae), Labcorp
Classification: Uncertain significance for Familial adenomatous polyposis 1. Last evaluated: 2024-02-05. Review status: criteria provided, single submitter. Criteria: Invitae Variant Classification Sherloc (09022015). Collection method: clinical testing. Allele origin: germline.
Comment: This sequence change replaces glutamic acid, which is acidic and polar, with glycine, which is neutral and non-polar, at codon 853 of the APC protein (p.Glu853Gly). This variant is not present in population databases (gnomAD no frequency). This variant has not been reported in the literature in individuals affected with APC-related conditions. ClinVar contains an entry for this variant (Variation ID: 559955). Advanced modeling of protein sequence and biophysical properties (such as structural, functional, and spatial information, amino acid conservation, physicochemical variation, residue mobility, and thermodynamic stability) performed at Invitae indicates that this missense variant is not expected to disrupt APC protein function with a negative predictive value of 95%. In summary, the available evidence is currently insufficient to determine the role of this variant in disease. Therefore, it has been classified as a Variant of Uncertain Significance.

3DMed Clinical Laboratory Inc
Classification: Uncertain significance for Duodenal cancer. Last evaluated: 2017-08-30. Review status: no assertion criteria provided. Criteria: ACMG Guidelines, 2015. Collection method: clinical testing. Allele origin: germline. Affected: yes. Not counted in ClinVar's aggregate classification.